The following is an entry in ClinVar:

ClinVar aggregate classification (germline): Uncertain significance (1 of 4 stars; one submission).

Conditions:
Hereditary cancer-predisposing syndrome. Also called: Hereditary Cancer Syndrome; Neoplastic Syndromes, Hereditary; Tumor predisposition; Hereditary neoplastic syndrome. Identifiers: Orphanet 140162, MedGen C0027672, MeSH D009386, MONDO:0015356.

Submission:

Color Diagnostics, LLC DBA Color Health
Classification: Uncertain significance for Hereditary cancer-predisposing syndrome. Last evaluated: 2023-12-05. Review status: criteria provided, single submitter. Criteria: ACMG Guidelines, 2015. Collection method: clinical testing. Allele origin: germline.
Comment: This missense variant replaces lysine with asparagine at codon 2614 of the APC protein. Computational prediction suggests that this variant may not impact protein structure and function (internally defined REVEL score threshold <= 0.5, PMID: 27666373). To our knowledge, functional studies have not been reported for this variant. This variant has not been reported in individuals affected with APC-related disorders in the literature. This variant has not been identified in the general population by the Genome Aggregation Database (gnomAD). The available evidence is insufficient to determine the role of this variant in disease conclusively. Therefore, this variant is classified as a Variant of Uncertain Significance.

NM_000038.6(APC):c.7842A>C (p.Lys2614Asn)

Gene: APC (APC regulator of Wnt signaling pathway; plus strand). Cytogenetic location: 5q22.2.
Variant type: single nucleotide variant.
Coding change: c.7842A>C on transcript NM_000038.6 (MANE Select); coding-DNA position 7842, A replaced by C.
Protein change: p.Lys2614Asn; replaces lysine 2614 with asparagine.
Molecular consequence: missense variant.
Genome position (GRCh38, 1-based): chr5:112,843,436, A>C. VCF-style: chr5-112843436-A-C. GRCh37 (hg19) VCF-style: chr5-112179133-A-C.
Other names: c.7842A>C, p.Lys2614Asn (NM_001127510.3, NM_001354895.2); c.7788A>C, p.Lys2596Asn (NM_001127511.3); c.7896A>C, p.Lys2632Asn (NM_001354896.2); c.7872A>C, p.Lys2624Asn (NM_001354897.2); c.7767A>C, p.Lys2589Asn (NM_001354898.2); c.7758A>C, p.Lys2586Asn (NM_001354899.2); c.7719A>C, p.Lys2573Asn (NM_001354900.2); c.7665A>C, p.Lys2555Asn (NM_001354901.2); and 5 more; short protein forms K2596N, K2614N, K2331N, K2555N, K2573N, K2586N, K2632N, K2488N.
Identifiers: ClinVar variation 489497 (VCV000489497.6), dbSNP rs1554088694, ClinGen allele CA16038369.